The following is an entry in ClinVar:

ClinVar aggregate classification (germline): Uncertain significance (1 of 4 stars; one submission).

Conditions:
Episodic ataxia type 2 (EA2). Also called: ACETAZOLAMIDE-RESPONSIVE HEREDITARY PAROXYSMAL CEREBELLAR ATAXIA; CEREBELLAR ATAXIA, PAROXYSMAL, ACETAZOLAMIDE-RESPONSIVE; CEREBELLOPATHY, HEREDITARY PAROXYSMAL; EPISODIC ATAXIA, NYSTAGMUS-ASSOCIATED; ATAXIA, EPISODIC, WITH NYSTAGMUS; ATAXIA, FAMILIAL PAROXYSMAL. Identifiers: Orphanet 97, MedGen C1720416, MONDO:0007163, OMIM 108500.
Developmental and epileptic encephalopathy, 42 (DEE42A). Also called: DEVELOPMENTAL AND EPILEPTIC ENCEPHALOPATHY 42A; EPILEPTIC ENCEPHALOPATHY, EARLY INFANTILE, 42A; Epileptic encephalopathy, early infantile, 42. Identifiers: MedGen C4310716, MONDO:0014917, OMIM 617106.

Allele frequency attached by ClinVar (database versions not stated): gnomAD exomes below 0.00001.
gnomAD v4.1: 2 of 1,613,824 alleles (0.00012%); highest among the groups gnomAD compares: Non-Finnish European, 0.00017%; no homozygotes.

Submission:

Labcorp Genetics (formerly Invitae), Labcorp
Classification: Uncertain significance for Developmental and epileptic encephalopathy, 42; Episodic ataxia type 2. Last evaluated: 2020-03-14. Review status: criteria provided, single submitter. Criteria: Invitae Variant Classification Sherloc (09022015). Collection method: clinical testing. Allele origin: germline.
Comment: Algorithms developed to predict the effect of missense changes on protein structure and function (SIFT, PolyPhen-2, Align-GVGD) all suggest that this variant is likely to be disruptive, but these predictions have not been confirmed by published functional studies and their clinical significance is uncertain. In summary, the available evidence is currently insufficient to determine the role of this variant in disease. Therefore, it has been classified as a Variant of Uncertain Significance. This sequence change replaces arginine with histidine at codon 1310 of the CACNA1A protein (p.Arg1310His). The arginine residue is highly conserved and there is a small physicochemical difference between arginine and histidine. This variant is not present in population databases (ExAC no frequency). This variant has not been reported in the literature in individuals with CACNA1A-related disease.

NM_001127222.2(CACNA1A):c.3926G>A (p.Arg1309His)

Genes: CACNA1A (calcium voltage-gated channel subunit alpha1 A; minus strand), LOC126862865 (CDK7 strongly-dependent group 2 enhancer GRCh37_chr19:13385818-13387017; plus strand). Cytogenetic location: 19p13.13.
Variant type: single nucleotide variant.
Coding change: c.3926G>A on transcript NM_001127222.2 (MANE Select); coding-DNA position 3926, G replaced by A.
Protein change: p.Arg1309His; replaces arginine 1309 with histidine.
Molecular consequence: missense variant.
Genome position (GRCh38, 1-based): chr19:13,275,913, C>T on the plus strand (G>A on the coding strand, the complement: CACNA1A is on the minus strand). VCF-style: chr19-13275913-C-T. GRCh37 (hg19) VCF-style: chr19-13386727-C-T.
Other names: c.3938G>A, p.Arg1313His (NM_000068.4, NM_023035.3); c.3929G>A, p.Arg1310His (NM_001127221.2, NM_001174080.2); short protein forms R1310H, R1309H, R1313H.
Identifiers: ClinVar variation 575992 (VCV000575992.9), dbSNP rs1568485102, ClinGen allele CA404340268.